The following is an entry in ClinVar:

ClinVar aggregate classification (germline): Conflicting classifications of pathogenicity. Review status: criteria provided, conflicting classifications (1 of 4 stars). 2 submissions from 2 submitters: Uncertain significance (1); Likely benign (1). Last evaluated 2024-02-19.

Conditions:
Heterotopia, periventricular, X-linked dominant (PVNH1). Also called: PERIVENTRICULAR NODULAR HETEROTOPIA 1; X-linked periventricular heterotopia; PERIVENTRICULAR NODULAR HETEROTOPIA 4; HETEROTOPIA, PERIVENTRICULAR, 1. Identifiers: Orphanet 2149, Orphanet 82004, MedGen C1848213, MONDO:0010233, OMIM 300049.
Melnick-Needles syndrome (MNS). Also called: MELNICK-NEEDLES OSTEODYSPLASTY; OSTEODYSPLASTY OF MELNICK AND NEEDLES; Melnick-Needles Syndrome (FLNA-MNS). Identifiers: Orphanet 2484, MedGen C0025237, MONDO:0010650, OMIM 309350.
Frontometaphyseal dysplasia (FMD1). Identifiers: Orphanet 1826, MedGen C0265293, MONDO:0015942.
Oto-palato-digital syndrome, type II (OPD2). Also called: OPD II SYNDROME; FACIOPALATOOSSEOUS SYNDROME; Otopalatodigital Syndrome Type 2 (FLNA-OPD2); Otopalatodigital Syndrome, Type II. Identifiers: Orphanet 669, Orphanet 90652, MedGen C1844696, MONDO:0010571, OMIM 304120.

Allele frequency attached by ClinVar (database versions not stated): gnomAD exomes below 0.00001 and 0.00001; gnomAD 0.00002; 1000 Genomes Project 30x 0.00021.
gnomAD v4.1: 6 of 1,210,800 alleles (0.0005%); highest among the groups gnomAD compares: Middle Eastern, 0.023%; no homozygotes.

Submissions (2):

Labcorp Genetics (formerly Invitae), Labcorp
Classification: Likely benign for Oto-palato-digital syndrome, type II; Heterotopia, periventricular, X-linked dominant; Frontometaphyseal dysplasia; Melnick-Needles syndrome. Last evaluated: 2024-02-19. Review status: criteria provided, single submitter. Criteria: Invitae Variant Classification Sherloc (09022015). Collection method: clinical testing. Allele origin: germline.

ARUP Laboratories, Molecular Genetics and Genomics, ARUP Laboratories
Classification: Uncertain significance. Last evaluated: 2023-09-19. Review status: criteria provided, single submitter. Criteria: ARUP Molecular Germline Variant Investigation Process 2024. Collection method: clinical testing. Allele origin: germline.
Comment: The FLNA c.1555G>A; p.Val519Met variant (rs938952718), to our knowledge, is not reported in the medical literature but is reported in ClinVar (Variation ID: 1050855). This variant is only observed on one allele in the Genome Aggregation Database, indicating it is not a common polymorphism. Computational analyses are uncertain whether this variant is neutral or deleterious (REVEL: 0.547). Due to limited information, the clinical significance of this variant is uncertain at this time.

NM_001110556.2(FLNA):c.1555G>A (p.Val519Met)

Gene: FLNA (filamin A; minus strand). Cytogenetic location: Xq28.
Variant type: single nucleotide variant.
Coding change: c.1555G>A on transcript NM_001110556.2 (MANE Select); coding-DNA position 1555, G replaced by A.
Protein change: p.Val519Met; replaces valine 519 with methionine.
Molecular consequence: missense variant.
Genome position (GRCh38, 1-based): chrX:154,365,361, C>T on the plus strand (G>A on the coding strand, the complement: FLNA is on the minus strand). VCF-style: chrX-154365361-C-T. GRCh37 (hg19) VCF-style: chrX-153593729-C-T.
Other names: c.1555G>A, p.Val519Met (NM_001456.4); short protein forms V519M.
Identifiers: ClinVar variation 1050855 (VCV001050855.10), dbSNP rs938952718, ClinGen allele CA337283284.